The following is an entry in ClinVar:

NM_002253.4(KDR):c.1645+2dup

Gene: KDR (kinase insert domain receptor; minus strand). Cytogenetic location: 4q12.
Variant type: Duplication.
Coding change: c.1645+2dup on transcript NM_002253.4 (MANE Select); the canonical splice donor site of the intron after coding-DNA position 1645, one base duplicated (T; older notation c.1645+2dupT).
Molecular consequence: splice donor variant.
Genome position (GRCh38, 1-based): chr4:55,105,830, A duplicated on the plus strand (T on the coding strand, the reverse complement: KDR is on the minus strand). VCF-style (leftmost placement, unchanged base first): chr4-55105829-T-TA. GRCh37 (hg19) VCF-style: chr4-55971996-T-TA.
Identifiers: ClinVar variation 4993183 (VCV004993183.1).

ClinVar aggregate classification (germline): Uncertain significance (1 of 4 stars; one submission).

Conditions:
KDR-related disorder. Also called: KDR-related condition.

Submission:

PreventionGenetics, part of Exact Sciences
Classification: Uncertain significance for KDR-related condition. Last evaluated: 2025-12-09. Review status: criteria provided, single submitter. Criteria: ACMG Guidelines, 2015. Collection method: clinical testing. Allele origin: germline.
Comment: The KDR c.1645+2dupT variant is predicted to result in an intronic duplication. This variant is predicted to alter splicing based on available splicing prediction software (SpliceAI, Jaganathan et al. 2019. PubMed ID: 30661751). However, the use of computer prediction software is not equivalent to functional evidence. To our knowledge, this variant has not been reported in the literature or in a large population database (gnomAD), indicating this variant is rare. At this time, the clinical significance of this variant is uncertain due to the absence of conclusive functional and genetic evidence.